The following is an entry in ClinVar:

NM_001042492.3(NF1):c.8223G>C (p.Thr2741=)

Gene: NF1 (neurofibromin 1; plus strand). Cytogenetic location: 17q11.2.
Variant type: single nucleotide variant.
Coding change: c.8223G>C on transcript NM_001042492.3 (MANE Select); coding-DNA position 8223, G replaced by C.
Protein change: p.Thr2741=; no amino-acid change (threonine 2741 retained).
Molecular consequence: synonymous variant.
Genome position (GRCh38, 1-based): chr17:31,360,549, G>C. VCF-style: chr17-31360549-G-C. GRCh37 (hg19) VCF-style: chr17-29687567-G-C.
Other names: c.8160G>C, p.Thr2720= (NM_000267.4).
Identifiers: ClinVar variation 184642 (VCV000184642.16), dbSNP rs777755159, ClinGen allele CA189544.

ClinVar aggregate classification (germline): Benign/Likely benign. Review status: criteria provided, multiple submitters, no conflicts (2 of 4 stars). 6 submissions from 6 submitters: Benign (1); Likely benign (5). Last evaluated 2026-05-22.

Conditions:
Hereditary cancer-predisposing syndrome. Also called: Tumor predisposition; Hereditary neoplastic syndrome; Neoplastic Syndromes, Hereditary; Hereditary Cancer Syndrome. Identifiers: Orphanet 140162, MedGen C0027672, MeSH D009386, MONDO:0015356.
Neurofibromatosis, type 1 (NF1). Also called: Neurofibromatosis, type I; NEUROFIBROMATOSIS, TYPE I, SOMATIC; VON RECKLINGHAUSEN DISEASE; Peripheral type neurofibromatosis. Identifiers: Orphanet 636, MedGen C0027831, MONDO:0018975, OMIM 162200. Disease mechanism: loss of function.

Allele frequency attached by ClinVar (database versions not stated): gnomAD 0.00003.

Submissions (6):

Myriad Genetics, Inc.
Classification: Benign for Neurofibromatosis, type 1. Last evaluated: 2026-05-22. Review status: criteria provided, single submitter. Criteria: Myriad Autosomal Dominant, Autosomal Recessive and X-Linked Classification Criteria (2023). Collection method: clinical testing. Allele origin: unknown.
Comment: This variant is considered benign. This variant is a silent/synonymous amino acid change and it is not expected to impact splicing.

Labcorp Genetics (formerly Invitae), Labcorp
Classification: Likely benign for Neurofibromatosis, type 1. Last evaluated: 2025-08-06. Review status: criteria provided, single submitter. Criteria: Invitae Variant Classification Sherloc (09022015). Collection method: clinical testing. Allele origin: germline.

Genome-Nilou Lab
Classification: Likely benign for Neurofibromatosis, type 1. Last evaluated: 2022-03-15. Review status: criteria provided, single submitter. Criteria: ACMG Guidelines, 2015. Collection method: clinical testing. Allele origin: germline. Affected: no.

Sema4
Classification: Likely benign for Hereditary cancer-predisposing syndrome. Last evaluated: 2021-06-09. Review status: criteria provided, single submitter. Criteria: Sema4 Curation Guidelines. Collection method: curation. Allele origin: germline.

Women's Health and Genetics/Laboratory Corporation of America, LabCorp
Classification: Likely benign. Last evaluated: 2020-07-30. Review status: criteria provided, single submitter. Criteria: LabCorp Variant Classification Summary - May 2015. Collection method: clinical testing. Allele origin: germline.

Ambry Genetics
Classification: Likely benign for Hereditary cancer-predisposing syndrome. Last evaluated: 2015-01-19. Review status: criteria provided, single submitter. Criteria: Ambry Autosomal Dominant and X-Linked criteria (10/2015). Collection method: clinical testing. Allele origin: germline. Observed: 1 variant allele.